The following is an entry in ClinVar:

NM_001114753.3(ENG):c.1084_1085del (p.Lys362fs)

Gene: ENG (endoglin; minus strand). Cytogenetic location: 9q34.11.
Variant type: Deletion.
Coding change: c.1084_1085del on transcript NM_001114753.3 (MANE Select); coding-DNA positions 1084 to 1085, 2 bases deleted (AA; older notation c.1084_1085delAA).
Protein change: p.Lys362fs; shifts the reading frame from lysine 362.
Molecular consequence: frameshift variant.
Genome position (GRCh38, 1-based): chr9:127,824,353-127,824,354, TT deleted on the plus strand (AA on the coding strand, the reverse complement: ENG is on the minus strand); deleting any 2 consecutive bases within chr9:127,824,353-127,824,355 gives the same sequence; the c. name uses the placement nearest the transcript's 3' end. VCF-style (leftmost placement, unchanged base first): chr9-127824352-CTT-C. GRCh37 (hg19) VCF-style: chr9-130586631-CTT-C.
Other names: c.1083_1084delAA, p.Lys362Valfs (NM_000118.4, NM_001406715.1); c.538_539del, p.Lys180fs (NM_001278138.2); short protein forms K362fs, K180fs.
Identifiers: ClinVar variation 432681 (VCV000432681.12), dbSNP rs1554810051, ClinGen allele CA645372488.

ClinVar aggregate classification (germline): Pathogenic. Review status: criteria provided, multiple submitters, no conflicts (2 of 4 stars). 3 submissions from 3 submitters: Pathogenic (3). Last evaluated 2024-08-15.

Conditions:
Cardiovascular phenotype. Identifiers: MedGen CN230736.
Hereditary hemorrhagic telangiectasia (HHT). Also called: ORW DISEASE; Osler Weber Rendu syndrome; OSLER-RENDU-WEBER DISEASE; Osler hemorrhagic telangiectasia syndrome. Identifiers: Orphanet 774, MedGen C0039445, MONDO:0019180. Disease mechanism: loss of function.

Submissions (3):

Labcorp Genetics (formerly Invitae), Labcorp
Classification: Pathogenic for Hereditary hemorrhagic telangiectasia. Last evaluated: 2024-08-15. Review status: criteria provided, single submitter. Criteria: Invitae Variant Classification Sherloc (09022015). Collection method: clinical testing. Allele origin: germline.
Comment: This sequence change creates a premature translational stop signal (p.Lys362Valfs*33) in the ENG gene. It is expected to result in an absent or disrupted protein product. Loss-of-function variants in ENG are known to be pathogenic (PMID: 15879500). This variant is not present in population databases (gnomAD no frequency). This variant has not been reported in the literature in individuals affected with ENG-related conditions. ClinVar contains an entry for this variant (Variation ID: 432681). For these reasons, this variant has been classified as Pathogenic.

Ambry Genetics
Classification: Pathogenic for Cardiovascular phenotype. Last evaluated: 2023-02-22. Review status: criteria provided, single submitter. Criteria: Ambry Variant Classification Scheme 2023. Collection method: clinical testing. Allele origin: germline.
Comment: The c.1084_1085delAA pathogenic mutation, located in coding exon 8 of the ENG gene, results from a deletion of two nucleotides at nucleotide positions 1084 to 1085, causing a translational frameshift with a predicted alternate stop codon (p.K362Vfs*33). This variant is considered to be rare based on population cohorts in the Genome Aggregation Database (gnomAD). This alteration is expected to result in loss of function by premature protein truncation or nonsense-mediated mRNA decay. As such, this alteration is interpreted as a disease-causing mutation.

GeneDx
Classification: Pathogenic. Last evaluated: 2018-09-05. Review status: criteria provided, single submitter. Criteria: GeneDx Variant Classification (06012015). Collection method: clinical testing. Allele origin: germline. Affected: yes.
Comment: Although the c.1084_1085delAA pathogenic variant in the ENG gene has not been reported to our knowledge, this variant causes a shift in reading frame starting at codon lysine 362, changing it to a valine, and creating a premature stop codon at position 33 of the new reading frame, denoted p.Lys362ValfsX33. This pathogenic variant is expected to result in either an abnormal, truncated protein product or loss of protein from this allele through nonsense-mediated mRNA decay. Other frameshift variants in the ENG gene have been reported in Human Gene Mutation Database in association with HHT (Stenson et al., 2014), indicating that loss of function is a mechanism of disease for this gene. Furthermore, the c.1084_1085delAA variant has not been observed in large population cohorts (Lek et al., 2016; 1000 Genomes Consortium et al., 2015; Exome Variant Server).

Literature cited by the submitters: PubMed 15879500 (cited by Labcorp Genetics (formerly Invitae), Labcorp).